The following is an entry in ClinVar:

ClinVar aggregate classification (germline): Uncertain significance. Review status: criteria provided, multiple submitters, no conflicts (2 of 4 stars). 2 submissions from 2 submitters: Uncertain significance (2). Last evaluated 2025-11-17.

Allele frequency attached by ClinVar (database versions not stated): ExAC 0.00001; ESP Exome Variant Server 0.00008; TOPMed 0.00003; gnomAD 0.00003.
gnomAD v4.1: 10 of 1,601,794 alleles (0.00062%); highest among the groups gnomAD compares: African/African-American, 0.012%; no homozygotes.

Submissions (2):

Ambry Genetics
Classification: Uncertain significance. Last evaluated: 2025-11-17. Review status: criteria provided, single submitter. Criteria: Ambry Variant Classification Scheme 2023. Collection method: clinical testing. Allele origin: germline.
Comment: The p.L570F variant (also known as c.1710G>T), located in coding exon 13 of the RECQL gene, results from a G to T substitution at nucleotide position 1710. The leucine at codon 570 is replaced by phenylalanine, an amino acid with highly similar properties. This amino acid position is well conserved in available vertebrate species. In addition, this alteration is predicted to be tolerated by in silico analysis. Since supporting evidence is limited at this time, the clinical significance of this alteration remains unclear.

Labcorp Genetics (formerly Invitae), Labcorp
Classification: Uncertain significance. Last evaluated: 2025-10-13. Review status: criteria provided, single submitter. Criteria: Invitae Variant Classification Sherloc (09022015). Collection method: clinical testing. Allele origin: germline.
Comment: This sequence change replaces leucine, which is neutral and non-polar, with phenylalanine, which is neutral and non-polar, at codon 570 of the RECQL protein (p.Leu570Phe). The frequency data for this variant in the population databases is considered unreliable, as metrics indicate poor data quality at this position in the gnomAD database. This variant has not been reported in the literature in individuals affected with RECQL-related conditions. ClinVar contains an entry for this variant (Variation ID: 1778557). Invitae Evidence Modeling of protein sequence and biophysical properties (such as structural, functional, and spatial information, amino acid conservation, physicochemical variation, residue mobility, and thermodynamic stability) indicates that this missense variant is not expected to disrupt RECQL protein function with a negative predictive value of 80%. In summary, the available evidence is currently insufficient to determine the role of this variant in disease. Therefore, it has been classified as a Variant of Uncertain Significance.

NM_002907.4(RECQL):c.1710G>T (p.Leu570Phe)

Genes: PYROXD1 (pyridine nucleotide-disulphide oxidoreductase domain 1; plus strand), RECQL (RecQ like helicase; minus strand). Cytogenetic location: 12p12.1.
Variant type: single nucleotide variant.
Coding change: c.1710G>T on transcript NM_002907.4 (MANE Select); coding-DNA position 1710, G replaced by T.
Protein change: p.Leu570Phe; replaces leucine 570 with phenylalanine.
Molecular consequence: missense variant. On other transcripts: 3 prime UTR variant (3).
Genome position (GRCh38, 1-based): chr12:21,471,056, C>A on the plus strand (G>T on the coding strand, the complement: RECQL is on the minus strand). VCF-style: chr12-21471056-C-A. GRCh37 (hg19) VCF-style: chr12-21623990-C-A.
Other names: c.1710G>T, p.Leu570Phe (NM_032941.3); c.*2302C>A (NM_001350912.2, NM_001350913.2, NM_024854.5); short protein forms L570F.
Identifiers: ClinVar variation 1778557 (VCV001778557.6), dbSNP rs374038779, ClinGen allele CA6478668.
Genomic context (GRCh38, chr12:21,471,056, plus strand): 5'-CACTTGCATAGTAATAGCATGTGCCTCATTGTTCAGAAGATTAGCTTTAGGTCCTATTTT[C>A]AAATACGAAATGGTAGCATAAGCTGTAAAACTGTAGTCTTCTCTGCAGAAAATAAAGGCC-3'
Protein context (NP_002898.2, residues 560-580): SFTAYATISY[Leu570Phe]KIGPKANLLN